The following is an entry in ClinVar:

NM_001379500.1(COL18A1):c.107-12701A>G

Gene: COL18A1 (collagen type XVIII alpha 1 chain; plus strand). Cytogenetic location: 21q22.3.
Variant type: single nucleotide variant.
Coding change: c.107-12701A>G on transcript NM_001379500.1 (MANE Select); 12701 bases into the intron before coding-DNA position 107, A replaced by G.
Molecular consequence: intron variant. On other transcripts: missense variant (2).
Genome position (GRCh38, 1-based): chr21:45,455,541, A>G. VCF-style: chr21-45455541-A-G. GRCh37 (hg19) VCF-style: chr21-46875455-A-G.
Other names: c.11A>G, p.Tyr4Cys (NM_030582.4, NM_130444.3); short protein forms Y4C.
Identifiers: ClinVar variation 1404477 (VCV001404477.6), dbSNP rs1475490590, ClinGen allele CA410504946.

ClinVar aggregate classification (germline): Uncertain significance (1 of 4 stars; one submission).

Submission:

Labcorp Genetics (formerly Invitae), Labcorp
Classification: Uncertain significance. Last evaluated: 2021-03-11. Review status: criteria provided, single submitter. Criteria: Invitae Variant Classification Sherloc (09022015). Collection method: clinical testing. Allele origin: germline.
Comment: In summary, the available evidence is currently insufficient to determine the role of this variant in disease. Therefore, it has been classified as a Variant of Uncertain Significance. Experimental studies and prediction algorithms are not available or were not evaluated, and the functional significance of this variant is currently unknown. This variant has not been reported in the literature in individuals with COL18A1-related conditions. This variant is not present in population databases (ExAC no frequency). This sequence change replaces tyrosine with cysteine at codon 4 of the COL18A1 protein (p.Tyr4Cys). The COL18A1 gene has multiple clinically relevant transcripts. This variant occurs in alternate transcript NM_030582.3, and corresponds to NM_130445.3:c.107-12701A>G in the primary transcript.